The following is an entry in ClinVar:

ClinVar aggregate classification (germline): Uncertain significance. Review status: criteria provided, multiple submitters, no conflicts (2 of 4 stars). 2 submissions from 2 submitters: Uncertain significance (2). Last evaluated 2023-12-25.

Conditions:
Familial focal epilepsy with variable foci (FPEVF). Identifiers: Orphanet 98820, MedGen C1858477, MONDO:0020310.

Submissions (2):

GeneDx
Classification: Uncertain significance. Last evaluated: 2023-12-25. Review status: criteria provided, single submitter. Criteria: GeneDx Variant Classification Process June 2021. Collection method: clinical testing. Allele origin: germline. Affected: yes.
Comment: Not observed at significant frequency in large population cohorts (gnomAD); In silico analysis supports that this missense variant has a deleterious effect on protein structure/function; Has not been previously published as pathogenic or benign to our knowledge

Labcorp Genetics (formerly Invitae), Labcorp
Classification: Uncertain significance for Familial focal epilepsy with variable foci. Last evaluated: 2021-07-05. Review status: criteria provided, single submitter. Criteria: Invitae Variant Classification Sherloc (09022015). Collection method: clinical testing. Allele origin: germline.
Comment: In summary, the available evidence is currently insufficient to determine the role of this variant in disease. Therefore, it has been classified as a Variant of Uncertain Significance. Algorithms developed to predict the effect of missense changes on protein structure and function are either unavailable or do not agree on the potential impact of this missense change (SIFT: "Deleterious"; PolyPhen-2: "Not Available"; Align-GVGD: "Class C15"). This variant has not been reported in the literature in individuals affected with DEPDC5-related conditions. This variant is not present in population databases (ExAC no frequency). This sequence change replaces serine with tyrosine at codon 57 of the DEPDC5 protein (p.Ser57Tyr). The serine residue is highly conserved and there is a large physicochemical difference between serine and tyrosine.

NM_001242896.3(DEPDC5):c.170C>A (p.Ser57Tyr)

Gene: DEPDC5 (DEP domain containing 5, GATOR1 subcomplex subunit; plus strand). Cytogenetic location: 22q12.2.
Variant type: single nucleotide variant.
Coding change: c.170C>A on transcript NM_001242896.3 (MANE Select); coding-DNA position 170, C replaced by A.
Protein change: p.Ser57Tyr; replaces serine 57 with tyrosine.
Molecular consequence: missense variant. On other transcripts: non-coding transcript variant (5).
Genome position (GRCh38, 1-based): chr22:31,760,679, C>A. VCF-style: chr22-31760679-C-A. GRCh37 (hg19) VCF-style: chr22-32156665-C-A.
Other names: c.170C>A, p.Ser57Tyr (NM_001007188.4, NM_001136029.4, NM_001242897.2 and 9 more transcripts); c.170C>A (NM_001242896.1); short protein forms S57Y.
Identifiers: ClinVar variation 1471763 (VCV001471763.7), dbSNP rs2148027642, ClinGen allele CA411279628.